The following is an entry in ClinVar:

NM_001077653.2(TBX20):c.859C>T (p.Arg287Trp)

Gene: TBX20 (T-box transcription factor 20; minus strand). Cytogenetic location: 7p14.2.
Variant type: single nucleotide variant.
Coding change: c.859C>T on transcript NM_001077653.2 (MANE Select); coding-DNA position 859, C replaced by T.
Protein change: p.Arg287Trp; replaces arginine 287 with tryptophan.
Molecular consequence: missense variant.
Genome position (GRCh38, 1-based): chr7:35,231,535, G>A on the plus strand (C>T on the coding strand, the complement: TBX20 is on the minus strand). VCF-style: chr7-35231535-G-A. GRCh37 (hg19) VCF-style: chr7-35271147-G-A.
Other names: c.859C>T, p.Arg287Trp (NM_001166220.1); short protein forms R287W.
Identifiers: ClinVar variation 1381242 (VCV001381242.9), dbSNP rs1332484439, ClinGen allele CA367263759.

ClinVar aggregate classification (germline): Uncertain significance. Review status: criteria provided, multiple submitters, no conflicts (2 of 4 stars). 2 submissions from 2 submitters: Uncertain significance (2). Last evaluated 2025-12-09.

Conditions:
Cardiovascular phenotype. Identifiers: MedGen CN230736.

Submissions (2):

Labcorp Genetics (formerly Invitae), Labcorp
Classification: Uncertain significance. Last evaluated: 2025-12-09. Review status: criteria provided, single submitter. Criteria: Invitae Variant Classification Sherloc (09022015). Collection method: clinical testing. Allele origin: germline.
Comment: This sequence change replaces arginine, which is basic and polar, with tryptophan, which is neutral and slightly polar, at codon 287 of the TBX20 protein (p.Arg287Trp). This variant is not present in population databases (gnomAD no frequency). This missense change has been observed in individual(s) with congenital heart defects (PMID: 18834961). ClinVar contains an entry for this variant (Variation ID: 1381242). Invitae Evidence Modeling of protein sequence and biophysical properties (such as structural, functional, and spatial information, amino acid conservation, physicochemical variation, residue mobility, and thermodynamic stability) indicates that this missense variant is expected to disrupt TBX20 protein function with a positive predictive value of 80%. In summary, the available evidence is currently insufficient to determine the role of this variant in disease. Therefore, it has been classified as a Variant of Uncertain Significance.

Ambry Genetics
Classification: Uncertain significance for Cardiovascular phenotype. Last evaluated: 2025-04-11. Review status: criteria provided, single submitter. Criteria: Ambry Variant Classification Scheme 2023. Collection method: clinical testing. Allele origin: germline.
Comment: The p.R287W variant (also known as c.859C>T), located in coding exon 6 of the TBX20 gene, results from a C to T substitution at nucleotide position 859. The arginine at codon 287 is replaced by tryptophan, an amino acid with dissimilar properties. This variant has been detected in individuals with dilated cardiomyopathy, noncompaction cardiomyopathy, and congenital heart disease; however, this variant has also been detected in controls (Liu C et al. Eur J Med Genet, 2008 Sep;51:580-7; Qian L et al. Proc Natl Acad Sci U S A. 2008 Dec;105(50):19833-8; Zuo MY et al. Transl Pediatr, 2022 Feb;11:311-317). This amino acid position is highly conserved in available vertebrate species. In addition, this alteration is predicted to be deleterious by in silico analysis. Based on the available evidence, the clinical significance of this variant remains unclear.

Literature cited by the submitters: PubMed 18834961 (cited by Labcorp Genetics (formerly Invitae), Labcorp and Ambry Genetics); PubMed 19074289 (cited by Ambry Genetics); PubMed 35282022 (cited by Ambry Genetics).